The following is an entry in ClinVar:

NM_020821.3(VPS13C):c.5410A>G (p.Ile1804Val)

Gene: VPS13C (vacuolar protein sorting 13 homolog C; minus strand). Cytogenetic location: 15q22.2.
Variant type: single nucleotide variant.
Coding change: c.5410A>G on transcript NM_020821.3 (MANE Select); coding-DNA position 5410, A replaced by G.
Protein change: p.Ile1804Val; replaces isoleucine 1804 with valine.
Molecular consequence: missense variant.
Genome position (GRCh38, 1-based): chr15:61,941,806, T>C on the plus strand (A>G on the coding strand, the complement: VPS13C is on the minus strand). VCF-style: chr15-61941806-T-C. GRCh37 (hg19) VCF-style: chr15-62234005-T-C.
Other names: c.5410A>G, p.Ile1804Val (NM_001018088.3); c.5281A>G, p.Ile1761Val (NM_017684.5, NM_018080.4); short protein forms I1761V, I1804V.
Identifiers: ClinVar variation 727126 (VCV000727126.19), dbSNP rs73430435, ClinGen allele CA7595850.

ClinVar aggregate classification (germline): Benign/Likely benign. Review status: criteria provided, multiple submitters, no conflicts (2 of 4 stars). 4 submissions from 4 submitters: Benign (3); Likely benign (1). Last evaluated 2025-09-01.

Conditions:
VPS13C-related disorder. Also called: VPS13C-related condition.

Allele frequency attached by ClinVar (database versions not stated): gnomAD exomes 0.00029 and 0.00078; ExAC 0.00094; 1000 Genomes Project 0.00140; 1000 Genomes Project 30x 0.00203; gnomAD 0.00270 and 0.00299; TOPMed 0.00322; ESP Exome Variant Server 0.00354.
gnomAD v4.1: 864 of 1,613,414 alleles (0.054%); highest among the groups gnomAD compares: African/African-American, 1%; 2 homozygotes.

Submissions (4):

CeGaT Center for Human Genetics Tuebingen
Classification: Likely benign. Last evaluated: 2025-09-01. Review status: criteria provided, single submitter. Criteria: CeGaT Center For Human Genetics Tuebingen Variant Classification Criteria Version 2. Collection method: clinical testing. Allele origin: germline. Affected: yes. Observed: 1 variant allele.
Comment: VPS13C: BP4, BS2

Labcorp Genetics (formerly Invitae), Labcorp
Classification: Benign. Last evaluated: 2025-06-12. Review status: criteria provided, single submitter. Criteria: Invitae Variant Classification Sherloc (09022015). Collection method: clinical testing. Allele origin: germline.

PreventionGenetics, part of Exact Sciences
Classification: Benign for VPS13C-related condition. Last evaluated: 2025-06-05. Review status: criteria provided, single submitter. Criteria: ACMG Guidelines, 2015. Collection method: clinical testing. Allele origin: germline.
Comment: This variant is classified as benign based on ACMG/AMP sequence variant interpretation guidelines (Richards et al. 2015 PMID: 25741868, with internal and published modifications).

Breakthrough Genomics
Classification: Benign. Review status: criteria provided, single submitter. Criteria: ACMG Guidelines, 2015. Collection method: not provided. Allele origin: germline. Inheritance: Autosomal recessive inheritance. Affected: yes.